The following is an entry in ClinVar:

ClinVar aggregate classification (germline): Uncertain significance (1 of 4 stars; one submission).

gnomAD v4.1: 1 of 1,614,160 alleles (0.000062%); highest among the groups gnomAD compares: Non-Finnish European, 0.000085%; no homozygotes.

Submission:

GeneDx
Classification: Uncertain significance. Last evaluated: 2026-01-22. Review status: criteria provided, single submitter. Criteria: GeneDx Variant Classification Process June 2021. Collection method: clinical testing. Allele origin: germline.
Comment: Not observed at significant frequency in large population cohorts (gnomAD); Canonical splice site variant with an unclear effect on protein function; Has not been previously published as pathogenic or benign to our knowledge

NM_017841.4(SDHAF2):c.36+2T>G

Gene: SDHAF2 (succinate dehydrogenase complex assembly factor 2; plus strand). Cytogenetic location: 11q12.2.
Variant type: single nucleotide variant.
Coding change: c.36+2T>G on transcript NM_017841.4 (MANE Select); the canonical splice donor site of the intron after coding-DNA position 36, T replaced by G.
Molecular consequence: splice donor variant.
Genome position (GRCh38, 1-based): chr11:61,430,184, T>G. VCF-style: chr11-61430184-T-G. GRCh37 (hg19) VCF-style: chr11-61197656-T-G.
Identifiers: ClinVar variation 4887917 (VCV004887917.1).